The following is an entry in ClinVar:

ClinVar aggregate classification (germline): Uncertain significance. Review status: criteria provided, multiple submitters, no conflicts (2 of 4 stars). 2 submissions from 2 submitters: Uncertain significance (2). Last evaluated 2026-07-20.

Conditions:
Inborn genetic diseases. Identifiers: MedGen C0950123, MeSH D030342.

gnomAD v4.1: 2 of 1,568,478 alleles (0.00013%); highest among the groups gnomAD compares: Admixed American, 0.0033%; no homozygotes.

Submissions (2):

Ambry Genetics
Classification: Uncertain significance for Inborn genetic diseases. Last evaluated: 2026-07-20. Review status: criteria provided, single submitter. Criteria: Ambry Variant Classification Scheme 2023. Collection method: clinical testing. Allele origin: germline.
Comment: The p.K253R variant (also known as c.758A>G), located in coding exon 3 of the FANCM gene, results from an A to G substitution at nucleotide position 758. The lysine at codon 253 is replaced by arginine, an amino acid with highly similar properties. This amino acid position is conserved. In addition, this alteration is predicted to be tolerated by in silico analysis. Based on the available evidence, the clinical significance of this variant remains unclear.

GeneDx
Classification: Uncertain significance. Last evaluated: 2025-04-27. Review status: criteria provided, single submitter. Criteria: GeneDx Variant Classification Process June 2021. Collection method: clinical testing. Allele origin: germline. Affected: yes.
Comment: Not observed at significant frequency in large population cohorts (gnomAD); In silico analysis supports that this missense variant has a deleterious effect on protein structure/function; Has not been previously published as pathogenic or benign to our knowledge; In silico analysis is inconclusive as to whether the variant alters gene splicing. In the absence of RNA/functional studies, the actual effect of this sequence change is unknown

NM_020937.4(FANCM):c.758A>G (p.Lys253Arg)

Gene: FANCM (FA complementation group M; plus strand). Cytogenetic location: 14q21.2.
Variant type: single nucleotide variant.
Coding change: c.758A>G on transcript NM_020937.4 (MANE Select); coding-DNA position 758, A replaced by G.
Protein change: p.Lys253Arg; replaces lysine 253 with arginine.
Molecular consequence: missense variant. On other transcripts: intron variant (1).
Genome position (GRCh38, 1-based): chr14:45,140,708, A>G. VCF-style: chr14-45140708-A-G. GRCh37 (hg19) VCF-style: chr14-45609911-A-G.
Other names: c.758A>G, p.Lys253Arg (NM_001308134.2); c.681+3467A>G (NM_001308133.2); short protein forms K253R.
Identifiers: ClinVar variation 4527800 (VCV004527800.2).